The following is an entry in ClinVar:

ClinVar aggregate classification (germline): Pathogenic (1 of 4 stars; one submission).

Conditions:
Cardiovascular phenotype. Identifiers: MedGen CN230736.

Submission:

Ambry Genetics
Classification: Pathogenic for Cardiovascular phenotype. Last evaluated: 2025-03-27. Review status: criteria provided, single submitter. Criteria: Ambry Variant Classification Scheme 2023. Collection method: clinical testing. Allele origin: germline.
Comment: The p.Y153* pathogenic mutation (also known as c.459T>G), located in coding exon 4 of the DSP gene, results from a T to G substitution at nucleotide position 459. This changes the amino acid from a tyrosine to a stop codon within coding exon 4. This variant is considered to be rare based on population cohorts in the Genome Aggregation Database (gnomAD). This alteration is expected to result in loss of function by premature protein truncation or nonsense-mediated mRNA decay. As such, this alteration is interpreted as a disease-causing mutation.

NM_004415.4(DSP):c.459T>G (p.Tyr153Ter)

Gene: DSP (desmoplakin; plus strand). Cytogenetic location: 6p24.3.
Variant type: single nucleotide variant.
Coding change: c.459T>G on transcript NM_004415.4 (MANE Select); coding-DNA position 459, T replaced by G.
Protein change: p.Tyr153Ter; replaces tyrosine 153 with a stop codon.
Molecular consequence: nonsense.
Genome position (GRCh38, 1-based): chr6:7,559,262, T>G. VCF-style: chr6-7559262-T-G. GRCh37 (hg19) VCF-style: chr6-7559495-T-G.
Other names: c.459T>G, p.Tyr153Ter (NM_001008844.3, NM_001319034.2, NM_001406591.1); short protein forms Y153*.
Identifiers: ClinVar variation 4015083 (VCV004015083.1).